The following is an entry in ClinVar:

NM_139058.3(ARX):c.1559del (p.Pro520fs)

Gene: ARX (aristaless related homeobox; minus strand). Cytogenetic location: Xp21.3.
Variant type: Deletion.
Coding change: c.1559del on transcript NM_139058.3 (MANE Select); coding-DNA position 1559, one base deleted (C; older notation c.1559delC).
Protein change: p.Pro520fs; shifts the reading frame from proline 520.
Molecular consequence: frameshift variant.
Genome position (GRCh38, 1-based): chrX:25,004,800, G deleted on the plus strand (C on the coding strand, the reverse complement: ARX is on the minus strand); the first of 3 consecutive G bases (chrX:25,004,800-25,004,802); deleting any one gives the same sequence. VCF-style (leftmost placement, unchanged base first): chrX-25004799-CG-C. GRCh37 (hg19) VCF-style: chrX-25022916-CG-C.
Other names: short protein forms P520fs.
Identifiers: ClinVar variation 2943777 (VCV002943777.3), dbSNP rs2519099293, ClinGen allele CA2740092063.

ClinVar aggregate classification (germline): Pathogenic (1 of 4 stars; one submission).

Conditions:
Developmental and epileptic encephalopathy, 1 (DEE1). Also called: X-linked infantile spasms; West's syndrome; Tonic spasms with clustering, arrest of psychomotor development and hypsarrhythmia on EEG; X-Linked Infantile Spasm Syndrome; OHTAHARA SYNDROME, X-LINKED; INFANTILE SPASM SYNDROME, X-LINKED 1. Identifiers: MedGen C3463992, MONDO:0010632, OMIM 308350. Disease mechanism: loss of function.
Intellectual disability, X-linked, with or without seizures, ARX-related. Also called: Mental retardation, X-linked 52; MENTAL RETARDATION, X-LINKED 29; MENTAL RETARDATION, X-LINKED 32; MENTAL RETARDATION, X-LINKED 33; MENTAL RETARDATION, X-LINKED 38; MENTAL RETARDATION, X-LINKED 43. Identifiers: Orphanet 777, MedGen C0796244, MONDO:0010317, OMIM 300419.

Submission:

Labcorp Genetics (formerly Invitae), Labcorp
Classification: Pathogenic for Developmental and epileptic encephalopathy, 1; Intellectual disability, X-linked, with or without seizures, ARX-related. Last evaluated: 2024-05-15. Review status: criteria provided, single submitter. Criteria: Invitae Variant Classification Sherloc (09022015). Collection method: clinical testing. Allele origin: germline.
Comment: This sequence change creates a premature translational stop signal (p.Pro520Argfs*13) in the ARX gene. While this is not anticipated to result in nonsense mediated decay, it is expected to disrupt the last 43 amino acid(s) of the ARX protein. This variant is not present in population databases (gnomAD no frequency). This variant has not been reported in the literature in individuals affected with ARX-related conditions. This variant disrupts a region of the ARX protein in which other variant(s) (p.Arg527Alafs*5) have been determined to be pathogenic (PMID: 31623504). This suggests that this is a clinically significant region of the protein, and that variants that disrupt it are likely to be disease-causing. For these reasons, this variant has been classified as Pathogenic.

Literature cited by the submitters: PubMed 31623504.